The following is an entry in ClinVar:

ClinVar aggregate classification (germline): Pathogenic/Likely pathogenic. Review status: criteria provided, multiple submitters, no conflicts (2 of 4 stars). 2 submissions from 2 submitters: Pathogenic (1); Likely pathogenic (1). Last evaluated 2026-01-08.

Conditions:
Familial thoracic aortic aneurysm and aortic dissection (TAAD). Also called: Thoracic aortic aneurysms and dissections. Identifiers: Orphanet 91387, MedGen C4707243, MONDO:0019625.
Marfan syndrome (MFS). Also called: FBN1-Related Marfan Syndrome; Marfan syndrome type 1; Marfan's syndrome; Marfan syndrome, classic; MARFAN SYNDROME, TYPE I. Identifiers: Orphanet 284963, Orphanet 558, MedGen C0024796, MONDO:0007947, OMIM 154700.

Submissions (3):

Labcorp Genetics (formerly Invitae), Labcorp
Classification: Pathogenic for Marfan syndrome; Familial thoracic aortic aneurysm and aortic dissection. Last evaluated: 2026-01-08. Review status: criteria provided, single submitter. Criteria: Invitae Variant Classification Sherloc (09022015). Collection method: clinical testing. Allele origin: germline.
Comment: This sequence change affects a donor splice site in intron 56 of the FBN1 gene. It is expected to disrupt RNA splicing. Variants that disrupt the donor or acceptor splice site typically lead to a loss of protein function (PMID: 16199547), and loss-of-function variants in FBN1 are known to be pathogenic (PMID: 17657824, 19293843). This variant is not present in population databases (gnomAD no frequency). Disruption of this splice site has been observed in individual(s) with Marfan syndrome (PMID: 19293843). This variant is also known as IVS55+1G>A. ClinVar contains an entry for this variant (Variation ID: 653360). Algorithms developed to predict the effect of sequence changes on RNA splicing suggest that this variant may disrupt the consensus splice site. For these reasons, this variant has been classified as Pathogenic.

Ambry Genetics
Classification: Likely pathogenic for Familial thoracic aortic aneurysm and aortic dissection. Last evaluated: 2025-12-24. Review status: criteria provided, single submitter. Criteria: Ambry Variant Classification Scheme 2023. Collection method: clinical testing. Allele origin: germline.
Comment: The c.6871+1G>A intronic variant results from a G to A substitution one nucleotide after coding exon 55 of the FBN1 gene. Alterations that disrupt the canonical splice site are expected to cause aberrant splicing, resulting in an abnormal protein or a transcript that is subject to nonsense-mediated mRNA decay. In silico splice site analysis predicts that this alteration will weaken the native splice donor site. A resulting transcript is predicted to be in-frame and is not expected to trigger nonsense-mediated mRNA decay; although, direct evidence is unavailable. However, the region predicted to be impacted is critical for protein function (Ambry internal data). This variant was reported in individual(s) with features consistent with Marfan syndrome (Stheneur C et al. Eur J Hum Genet, 2009 Sep;17:1121-8). This variant is considered to be rare based on population cohorts in the Genome Aggregation Database (gnomAD). This nucleotide position is highly conserved in available vertebrate species. Based on the majority of available evidence to date, this variant is likely to be pathogenic.

Dr. Peter K. Rogan Lab, Western University
No classification provided (evidence only). Condition: Squamous cell lung carcinoma. Review status: no classification provided. Collection method: in vitro. Allele origin: not applicable. Functional consequence: retained intron. Not counted in ClinVar's aggregate classification.

Literature cited by the submitters: PubMed 16199547 (cited by Labcorp Genetics (formerly Invitae), Labcorp); PubMed 17657824 (cited by Labcorp Genetics (formerly Invitae), Labcorp); PubMed 19293843 (cited by Labcorp Genetics (formerly Invitae), Labcorp and Ambry Genetics).

NM_000138.5(FBN1):c.6871+1G>A

Gene: FBN1 (fibrillin 1; minus strand). Cytogenetic location: 15q21.1.
Variant type: single nucleotide variant.
Coding change: c.6871+1G>A on transcript NM_000138.5 (MANE Select); the canonical splice donor site of the intron after coding-DNA position 6871, G replaced by A.
Molecular consequence: splice donor variant.
Genome position (GRCh38, 1-based): chr15:48,430,670, C>T on the plus strand (G>A on the coding strand, the complement: FBN1 is on the minus strand). VCF-style: chr15-48430670-C-T. GRCh37 (hg19) VCF-style: chr15-48722867-C-T.
Other names: c.6871+1G>A (NM_001406716.1).
Identifiers: ClinVar variation 653360 (VCV000653360.11), dbSNP rs1555394753, ClinGen allele CA392331842.